The following is an entry in ClinVar:

NM_001110556.2(FLNA):c.1923C>T (p.Gly641=)

Gene: FLNA (filamin A; minus strand). Cytogenetic location: Xq28.
Variant type: single nucleotide variant.
Coding change: c.1923C>T on transcript NM_001110556.2 (MANE Select); coding-DNA position 1923, C replaced by T.
Protein change: p.Gly641=; no amino-acid change (glycine 641 retained).
Molecular consequence: synonymous variant.
Genome position (GRCh38, 1-based): chrX:154,364,625, G>A on the plus strand (C>T on the coding strand, the complement: FLNA is on the minus strand). VCF-style: chrX-154364625-G-A. GRCh37 (hg19) VCF-style: chrX-153592993-G-A.
Other names: 1923C-T; c.1923C>T, p.Gly641= (NM_001456.4).
Identifiers: ClinVar variation 11770 (VCV000011770.47), dbSNP rs80338841, ClinGen allele CA256062.

ClinVar aggregate classification (germline): Conflicting classifications of pathogenicity. Review status: criteria provided, conflicting classifications (1 of 4 stars). 9 submissions from 9 submitters: Pathogenic (3); Likely pathogenic (1); Uncertain significance (2). 3 of the submissions do not count toward it. Last evaluated 2026-07-17.

Conditions:
FLNA-related periventricular nodular heterotopia.
Frontometaphyseal dysplasia (FMD1). Identifiers: Orphanet 1826, MedGen C0265293, MONDO:0015942.
Heterotopia, periventricular, X-linked dominant (PVNH1). Also called: PERIVENTRICULAR NODULAR HETEROTOPIA 4; HETEROTOPIA, PERIVENTRICULAR, 1; PERIVENTRICULAR NODULAR HETEROTOPIA 1; X-linked periventricular heterotopia. Identifiers: Orphanet 2149, Orphanet 82004, MedGen C1848213, MONDO:0010233, OMIM 300049.
Oto-palato-digital syndrome, type II (OPD2). Also called: FACIOPALATOOSSEOUS SYNDROME; OPD II SYNDROME; Otopalatodigital Syndrome Type 2 (FLNA-OPD2); Otopalatodigital Syndrome, Type II. Identifiers: Orphanet 669, Orphanet 90652, MedGen C1844696, MONDO:0010571, OMIM 304120.
Melnick-Needles syndrome (MNS). Also called: MELNICK-NEEDLES OSTEODYSPLASTY; OSTEODYSPLASTY OF MELNICK AND NEEDLES; Melnick-Needles Syndrome (FLNA-MNS). Identifiers: Orphanet 2484, MedGen C0025237, MONDO:0010650, OMIM 309350.
FLNA-related disorder.
Cardiac valvular dysplasia, X-linked (CVDPX). Also called: FLNA-Related X-linked Cardiac Valvular Dysplasia; MYXOMATOUS VALVULAR DYSTROPHY, X-LINKED; VALVULAR HEART DISEASE, CONGENITAL; Congenital valvular dysplasia; Isolated X-Linked Cardiac Valvular Dysplasia. Identifiers: Orphanet 1864, Orphanet 555877, Orphanet 75497, MedGen C0262436, MONDO:0010753, OMIM 314400.

Submissions (12):

Department of Human Genetics, Hannover Medical School
Classification: Likely pathogenic for Heterotopia, periventricular, X-linked dominant. Last evaluated: 2026-07-17. Review status: criteria provided, single submitter. Criteria: ACMG Guidelines, 2015. Collection method: clinical testing. Allele origin: germline. Affected: yes.
Comment: PS2_Moderate, PS3_Supporting, PM2_Supporting, PP1, PP3

Victorian Clinical Genetics Services, Murdoch Childrens Research Institute
Classification: Pathogenic for Cardiac valvular dysplasia, X-linked. Last evaluated: 2025-11-10. Review status: criteria provided, single submitter. Criteria: ACMG Guidelines, 2015. Collection method: clinical testing. Allele origin: germline. Affected: yes.
Comment: This variant is classified as Pathogenic. Evidence in support of pathogenic classification: Splice site variant proven to affect splicing of the transcript with a known effect on protein sequence. cDNA studies in lymphocytes showed an aberrantly spliced transcript resulting in the loss of 101 bp of exon 13, leading to a frameshift and a premature termination codon (p.(Tyr643Glyfs*39)) which is predicted to be subject to nonsense mediated decay (NMD) (PMID: 16299064); Variant is present in gnomAD <0.01 (v4: 3 heterozygote(s), 0 homozygote(s), 0 hemizygote(s)); This variant has moderate previous evidence of pathogenicity in unrelated individuals. This variant has been classified as likely pathogenic/pathogenic and as a VUS by multiple clinical laboratories in ClinVar. Other NMD-predicted variants comparable to the one identified in this case have very strong previous evidence for pathogenicity (DECIPHER). Additional information: This variant is hemizygous; This gene is associated with both X-linked recessive and dominant disease (OMIM); Loss of function and gain of function are known mechanisms of disease in this gene. Loss of function variants are reported to cause periventricular nodular heterotopia, X-linked cardiac valvular dystrophy, and gastrointestinal diseases. Gain of function missense variants and small in-frame deletions have been shown to cause otopalatodigital spectrum of disease. X-linked cardiac valvular dystrophy is caused by mostly missense or splice site variants in filamin repeats 1, 4, 5, 6 and 7 (PMID: 30089473).

GeneDx
Classification: Pathogenic. Last evaluated: 2023-10-21. Review status: criteria provided, single submitter. Criteria: GeneDx Variant Classification Process June 2021. Collection method: clinical testing. Allele origin: germline. Affected: yes.
Comment: Published functional studies demonstrate that this variant creates an upstream cryptic splice donor site and leads to abnormal gene splicing in a gene for which loss-of-function is a known mechanism of disease (Hehr et al., 2006); Not observed at significant frequency in large population cohorts (gnomAD); This variant is associated with the following publications: (PMID: 16299064, 26582918, 27535533)

CeGaT Center for Human Genetics Tuebingen
Classification: Uncertain significance. Last evaluated: 2023-04-01. Review status: criteria provided, single submitter. Criteria: CeGaT Center For Human Genetics Tuebingen Variant Classification Criteria Version 2. Collection method: clinical testing. Allele origin: germline. Affected: yes. Observed: 1 variant allele.
Comment: FLNA: PM2:Supporting, PP3, PS3:Supporting, PS4:Supporting

Illumina Laboratory Services, Illumina
Classification: Pathogenic for FLNA-related periventricular nodular heterotopia. Last evaluated: 2021-01-29. Review status: criteria provided, single submitter. Criteria: ICSLVariantClassificationCriteria RUGD 01 April 2020. Collection method: clinical testing. Allele origin: unknown.
Comment: The variant was also identified in a heterozygous state in the proband's clinically unaffected mother who was later found to have periventricular nodular heterotopia on brain MRI performed after detection of this variant in her child. PCR amplification of cDNA from cultured lymphocytes from the proband, unaffected mother, and an unaffected brother who did not carry the variant, revealed a normal length product for all three individuals in addition to a smaller product observed for the proband and mother. This smaller product was a result of alternative splicing using the newly created donor splice site, which causes loss of the 3' segment of exon 13 resulting in a frameshift and premature stop codon at residue 681. The c.1923C>T variant is not found in the Genome Aggregation Database in a region of good sequence coverage, so the variant is presumed to be rare. Based on the collective evidence in the literature and application of the ACMG criteria, the c.1923C>T variant is classified as pathogenic for FLNA-related periventricular nodular heterotopia.

Labcorp Genetics (formerly Invitae), Labcorp
Classification: Uncertain significance for Oto-palato-digital syndrome, type II; Heterotopia, periventricular, X-linked dominant; Frontometaphyseal dysplasia; Melnick-Needles syndrome. Last evaluated: 2020-10-06. Review status: criteria provided, single submitter. Criteria: Invitae Variant Classification Sherloc (09022015). Collection method: clinical testing. Allele origin: germline.
Comment: This variant has been observed in individual(s) with clinical features of FLNA-related conditions (PMID: 16299064). It has also been observed to segregate with disease in related individuals. ClinVar contains an entry for this variant (Variation ID: 11770). This variant is not present in population databases (ExAC no frequency). This sequence change affects codon 641 of the FLNA mRNA. It is a 'silent' change, meaning that it does not change the encoded amino acid sequence of the FLNA protein. Experimental studies have shown that this variant disrupts mRNA splicing (PMID: 16299064). In summary, the available evidence is currently insufficient to determine the role of this variant in disease. Therefore, it has been classified as a Variant of Uncertain Significance.

PreventionGenetics, part of Exact Sciences
Classification: Likely pathogenic for FLNA-related condition. Last evaluated: 2024-07-22. Review status: no assertion criteria provided. Collection method: clinical testing. Allele origin: germline. Not counted in ClinVar's aggregate classification.
Comment: The FLNA c.1923C>T variant is not predicted to result in an amino acid change (p.=). cDNA sequencing indicated this variant impacts mRNA splicing (Hehr et al. 2006. PubMed ID: 16299064). This variant has not been reported in a large population database, indicating this variant is rare. This variant is interpreted as likely pathogenic.

OMIM
Classification: Pathogenic for HETEROTOPIA, PERIVENTRICULAR NODULAR, 1. Last evaluated: 2007-08-15. Review status: no assertion criteria provided. Collection method: literature only. Allele origin: germline. Not counted in ClinVar's aggregate classification.

Dr. Peter K. Rogan Lab, Western University
No classification provided (evidence only). Condition: Thyroid cancer, nonmedullary, 1. Review status: no classification provided. Collection method: in vitro. Allele origin: not applicable. Functional consequence: retained intron. Not counted in ClinVar's aggregate classification.

Dr. Peter K. Rogan Lab, Western University
No classification provided (evidence only). Condition: Thyroid cancer, nonmedullary, 1. Review status: no classification provided. Collection method: in vitro. Allele origin: not applicable. Functional consequence: retained intron. Not counted in ClinVar's aggregate classification.

Dr. Peter K. Rogan Lab, Western University
No classification provided (evidence only). Condition: Thyroid cancer, nonmedullary, 1. Review status: no classification provided. Collection method: in vitro. Allele origin: not applicable. Functional consequence: retained intron. Not counted in ClinVar's aggregate classification.

GeneReviews
No classification provided. Condition: Cardiac valvular dysplasia, X-linked. Review status: no classification provided. Collection method: literature only. Allele origin: unknown. Not counted in ClinVar's aggregate classification.

Literature cited by the submitters: PubMed 30089473 (cited by Victorian Clinical Genetics Services, Murdoch Childrens Research Institute); PubMed 16299064 (cited by 4 submitters); PubMed 17632775 (cited by OMIM); PubMed 16875750 (cited by GeneReviews); PubMed 20301567 (cited by GeneReviews); NCBI Bookshelf NBK1393 (cited by GeneReviews).